The following is an entry in ClinVar:

NM_170606.3(KMT2C):c.6472C>G (p.Pro2158Ala)

Gene: KMT2C (lysine methyltransferase 2C; minus strand). Cytogenetic location: 7q36.1.
Variant type: single nucleotide variant.
Coding change: c.6472C>G on transcript NM_170606.3 (MANE Select); coding-DNA position 6472, C replaced by G.
Protein change: p.Pro2158Ala; replaces proline 2158 with alanine.
Molecular consequence: missense variant.
Genome position (GRCh38, 1-based): chr7:152,181,388, G>C on the plus strand (C>G on the coding strand, the complement: KMT2C is on the minus strand). VCF-style: chr7-152181388-G-C. GRCh37 (hg19) VCF-style: chr7-151878473-G-C.
Other names: short protein forms P2158A.
Identifiers: ClinVar variation 1899647 (VCV001899647.5), dbSNP rs2487796533, ClinGen allele CA370093206.
Genomic context (GRCh38, chr7:152,181,388, plus strand): 5'-GCTGCTGACTATATGGGTCAACAGTAGTAGGCCGGGGAGTTCCAGGAGGTTGAGAGTAAG[G>C]GTCTGTATTGGACCTAGCTGTTCCTGAAGATTGGGAATAAGAATCTACAACAGGTCGTGG-3'
Protein context (NP_733751.2, residues 2148-2168): SSGTARSNTD[Pro2158Ala]YSQPPGTPRP

ClinVar aggregate classification (germline): Uncertain significance (1 of 4 stars; one submission).

Allele frequency attached by ClinVar (database versions not stated): gnomAD exomes below 0.00001.
gnomAD v4.1: 1 of 1,613,928 alleles (0.000062%); highest among the groups gnomAD compares: Non-Finnish European, 0.000085%; no homozygotes.

Submission:

Labcorp Genetics (formerly Invitae), Labcorp
Classification: Uncertain significance. Last evaluated: 2022-05-13. Review status: criteria provided, single submitter. Criteria: Invitae Variant Classification Sherloc (09022015). Collection method: clinical testing. Allele origin: germline.
Comment: Algorithms developed to predict the effect of missense changes on protein structure and function are either unavailable or do not agree on the potential impact of this missense change (SIFT: "Deleterious"; PolyPhen-2: "Probably Damaging"; Align-GVGD: "Class C0"). This variant has not been reported in the literature in individuals affected with KMT2C-related conditions. This variant is not present in population databases (gnomAD no frequency). This sequence change replaces proline, which is neutral and non-polar, with alanine, which is neutral and non-polar, at codon 2158 of the KMT2C protein (p.Pro2158Ala). In summary, the available evidence is currently insufficient to determine the role of this variant in disease. Therefore, it has been classified as a Variant of Uncertain Significance.